The following is an entry in ClinVar:

ClinVar aggregate classification (germline): Likely benign (0 of 4 stars; one submission).

Conditions:
BMP7-related disorder. Also called: BMP7-related condition.

Allele frequency attached by ClinVar (database versions not stated): gnomAD exomes 0.00002; gnomAD 0.00003; TOPMed 0.00004; ExAC 0.00006; ESP Exome Variant Server 0.00023.
gnomAD v4.1: 28 of 1,614,068 alleles (0.0017%); highest among the groups gnomAD compares: African/African-American, 0.0053%; no homozygotes.

Submission:

PreventionGenetics, part of Exact Sciences
Classification: Likely benign for BMP7-related condition. Last evaluated: 2020-08-11. Review status: no assertion criteria provided. Collection method: clinical testing. Allele origin: germline.
Comment: This variant is classified as likely benign based on ACMG/AMP sequence variant interpretation guidelines (Richards et al. 2015 PMID: 25741868, with internal and published modifications).

NM_001719.3(BMP7):c.1104C>T (p.Asn368=)

Gene: BMP7 (bone morphogenetic protein 7; minus strand). Cytogenetic location: 20q13.31.
Variant type: single nucleotide variant.
Coding change: c.1104C>T on transcript NM_001719.3 (MANE Select); coding-DNA position 1104, C replaced by T.
Protein change: p.Asn368=; no amino-acid change (asparagine 368 retained).
Molecular consequence: synonymous variant.
Genome position (GRCh38, 1-based): chr20:57,173,242, G>A on the plus strand (C>T on the coding strand, the complement: BMP7 is on the minus strand). VCF-style: chr20-57173242-G-A. GRCh37 (hg19) VCF-style: chr20-55748298-G-A.
Identifiers: ClinVar variation 3054580 (VCV003054580.2), dbSNP rs151141435, ClinGen allele CA9919593.
Genomic context (GRCh38, chr20:57,173,242, plus strand): 5'-AGATGGCGTGACACCCACCAGCGTCTGCACGATGGCGTGGTTGGTGGCGTTCATGTAGGA[G>A]TTCAGAGGGAAGGCACACTCCCCCTCACAGTAGTAGGCGGCGTAGCCTTCAGGCGCGATG-3'
Protein context (NP_001710.1, residues 358-378): YCEGECAFPL[Asn368=]SYMNATNHAI